The following is an entry in ClinVar:

ClinVar aggregate classification (germline): Benign/Likely benign. Review status: criteria provided, multiple submitters, no conflicts (2 of 4 stars). 4 submissions from 4 submitters: Benign (1); Likely benign (3). Last evaluated 2025-08-25.

Conditions:
Hereditary cancer-predisposing syndrome. Also called: Hereditary neoplastic syndrome; Neoplastic Syndromes, Hereditary; Tumor predisposition; Hereditary Cancer Syndrome. Identifiers: Orphanet 140162, MedGen C0027672, MeSH D009386, MONDO:0015356.
Pheochromocytoma/paraganglioma syndrome 5. Also called: Paragangliomas 5; SDHA-Related Hereditary Paraganglioma-Pheochromocytoma Syndrome. Identifiers: Orphanet 29072, MedGen C3279992, MONDO:0013602, OMIM 614165.
Mitochondrial complex II deficiency, nuclear type 1. Also called: SUCCINATE CoQ REDUCTASE DEFICIENCY. Identifiers: Orphanet 3208, MedGen C5700310, MONDO:0100294, OMIM 252011.

Submissions (4):

Labcorp Genetics (formerly Invitae), Labcorp
Classification: Likely benign for Pheochromocytoma/paraganglioma syndrome 5; Mitochondrial complex II deficiency, nuclear type 1. Last evaluated: 2025-08-25. Review status: criteria provided, single submitter. Criteria: Invitae Variant Classification Sherloc (09022015). Collection method: clinical testing. Allele origin: germline.

Myriad Genetics, Inc.
Classification: Benign for Pheochromocytoma/paraganglioma syndrome 5. Last evaluated: 2025-03-03. Review status: criteria provided, single submitter. Criteria: Myriad Autosomal Dominant, Autosomal Recessive and X-Linked Classification Criteria (2023). Collection method: clinical testing. Allele origin: unknown.
Comment: This variant is considered benign. This variant is a silent/synonymous amino acid change and it is not expected to impact splicing.

CeGaT Center for Human Genetics Tuebingen
Classification: Likely benign. Last evaluated: 2022-11-01. Review status: criteria provided, single submitter. Criteria: CeGaT Center For Human Genetics Tuebingen Variant Classification Criteria Version 2. Collection method: clinical testing. Allele origin: germline. Affected: yes. Observed: 1 variant allele.
Comment: SDHA: PM2:Supporting, BP4, BP7

Ambry Genetics
Classification: Likely benign for Hereditary cancer-predisposing syndrome. Last evaluated: 2022-10-29. Review status: criteria provided, single submitter. Criteria: Ambry Variant Classification Scheme 2023. Collection method: clinical testing. Allele origin: germline.

NM_004168.4(SDHA):c.798C>T (p.Cys266=)

Gene: SDHA (succinate dehydrogenase complex flavoprotein subunit A; plus strand). Cytogenetic location: 5p15.33.
Variant type: single nucleotide variant.
Coding change: c.798C>T on transcript NM_004168.4 (MANE Select); coding-DNA position 798, C replaced by T.
Protein change: p.Cys266=; no amino-acid change (cysteine 266 retained).
Molecular consequence: synonymous variant.
Genome position (GRCh38, 1-based): chr5:230,903, C>T. VCF-style: chr5-230903-C-T. GRCh37 (hg19) VCF-style: chr5-231018-C-T.
Other names: c.654C>T, p.Cys218= (NM_001294332.2); c.798C>T, p.Cys266= (NM_001330758.2).
Identifiers: ClinVar variation 1761496 (VCV001761496.29), dbSNP rs2126568017, ClinGen allele CA442691473.
Genomic context (GRCh38, chr5:230,903, plus strand): 5'-CTGTGTGCAGTCACTGCTCTCTATTGTTTCCAGAGGCTACGGGCGCACCTACTTCAGCTG[C>T]ACGTCTGCCCACACCAGCACTGGCGACGGCACGGCCATGATCACCAGGGCAGGCCTTCCT-3'
Protein context (NP_004159.2, residues 256-276): TGGYGRTYFS[Cys266=]TSAHTSTGDG